The following is an entry in ClinVar:

NM_001009944.3(PKD1):c.3277C>T (p.His1093Tyr)

Gene: PKD1 (polycystin 1, transient receptor potential channel interacting; minus strand). Cytogenetic location: 16p13.3.
Variant type: single nucleotide variant.
Coding change: c.3277C>T on transcript NM_001009944.3 (MANE Select); coding-DNA position 3277, C replaced by T.
Protein change: p.His1093Tyr; replaces histidine 1093 with tyrosine.
Molecular consequence: missense variant.
Genome position (GRCh38, 1-based): chr16:2,112,358, G>A on the plus strand (C>T on the coding strand, the complement: PKD1 is on the minus strand). VCF-style: chr16-2112358-G-A. GRCh37 (hg19) VCF-style: chr16-2162359-G-A.
Other names: c.3277C>T, p.His1093Tyr (NM_000296.4); short protein forms H1093Y.
Identifiers: ClinVar variation 447978 (VCV000447978.22), dbSNP rs146352591, ClinGen allele CA7832864.

ClinVar aggregate classification (germline): Benign/Likely benign. Review status: criteria provided, multiple submitters, no conflicts (2 of 4 stars). 9 submissions from 9 submitters: Benign (5); Likely benign (3). 1 of the submissions does not count toward it. Last evaluated 2026-01-09.

Conditions:
Polycystic kidney disease. Also called: Kidney, Polycystic; Polycystic kidney dysplasia. Identifiers: MedGen C0022680, MeSH D007690, MONDO:0020642, HP:0000113.
Polycystic kidney disease, adult type (PKD1). Also called: Polycystic Kidney Disease 1, Autosomal Dominant; Polycystic kidney disease 1; Polycystic kidney disease 1, severe; POLYCYSTIC KIDNEY DISEASE 1 WITH OR WITHOUT POLYCYSTIC LIVER DISEASE; Polycystic Kidney, Autosomal Dominant; POLYCYSTIC KIDNEY DISEASE, ADULT, TYPE I. Identifiers: MedGen C3149841, MONDO:0008263, OMIM 173900.

Allele frequency attached by ClinVar (database versions not stated): gnomAD exomes 0.00032 and 0.00074; ExAC 0.00067; gnomAD 0.00473 and 0.00519; 1000 Genomes Project 0.00499; 1000 Genomes Project 30x 0.00562; TOPMed 0.00565.
gnomAD v4.1: 1,211 of 1,587,338 alleles (0.076%); highest among the groups gnomAD compares: African/African-American, 1.4%; 9 homozygotes.

Submissions (9):

Women's Health and Genetics/Laboratory Corporation of America, LabCorp
Classification: Likely benign. Last evaluated: 2026-01-09. Review status: criteria provided, single submitter. Criteria: LabCorp Variant Classification Summary - May 2015. Collection method: clinical testing. Allele origin: germline.
Comment: Variant summary: PKD1 c.3277C>T (p.His1093Tyr) results in a conservative amino acid change in the encoded protein sequence. Algorithms developed to predict the effect of missense changes on protein structure and function are either unavailable or do not agree on the potential impact of this missense change. The variant allele was found at a frequency of 0.00074 in 223404 control chromosomes, predominantly at a frequency of 0.011 within the African or African-American subpopulation in the gnomAD database, including 1 homozygotes. The observed variant frequency within African or African-American control individuals in the gnomAD database exceeds the estimated maximal expected allele frequency for disease-causing variants in PKD1. c.3277C>T has been observed in a autosomal dominant polycystic kidney disease (ADPKD) cohort study without strong evidence for causality (Rossetti_2007). These report(s) do not provide unequivocal conclusions about association of the variant with PKD1-Biallelic Autosomal Recessive Polycystic Kidney Disease. The following publications have been ascertained in the context of this evaluation (PMID: 17582161, 26139440). ClinVar contains an entry for this variant (Variation ID: 447978). Based on the evidence outlined above, the variant was classified as likely benign.

CeGaT Center for Human Genetics Tuebingen
Classification: Likely benign. Last evaluated: 2026-01-01. Review status: criteria provided, single submitter. Criteria: CeGaT Center For Human Genetics Tuebingen Variant Classification Criteria Version 2. Collection method: clinical testing. Allele origin: germline. Affected: yes. Observed: 1 variant allele.
Comment: PKD1: BS1

Blueprint Genetics
Classification: Likely benign. Last evaluated: 2024-09-16. Review status: criteria provided, single submitter. Criteria: ACMG Guidelines, 2015. Collection method: clinical testing. Allele origin: germline.

Mayo Clinic Laboratories, Mayo Clinic
Classification: Benign. Last evaluated: 2024-01-22. Review status: criteria provided, single submitter. Criteria: ACMG Guidelines, 2015. Collection method: clinical testing. Allele origin: germline. Observed: 4 variant alleles.
Comment: BS1, BS2

GeneDx
Classification: Benign. Last evaluated: 2020-09-17. Review status: criteria provided, single submitter. Criteria: GeneDx Variant Classification Process June 2021. Collection method: clinical testing. Allele origin: germline. Affected: yes.
Comment: This variant is associated with the following publications: (PMID: 17582161)

ARUP Laboratories, Molecular Genetics and Genomics, ARUP Laboratories
Classification: Benign for Polycystic kidney disease, adult type. Last evaluated: 2019-11-21. Review status: criteria provided, single submitter. Criteria: ARUP Molecular Germline Variant Investigation Process. Collection method: clinical testing. Allele origin: germline.

Athena Diagnostics
Classification: Benign. Last evaluated: 2017-05-25. Review status: criteria provided, single submitter. Criteria: Athena Diagnostics Criteria. Collection method: clinical testing. Allele origin: germline.

Breakthrough Genomics
Classification: Benign. Review status: criteria provided, single submitter. Criteria: ACMG Guidelines, 2015. Collection method: not provided. Allele origin: germline. Inheritance: Autosomal dominant inheritance. Affected: yes.

Department of Pathology and Laboratory Medicine, Sinai Health System
Classification: Benign for Polycystic Kidney disease. Review status: no assertion criteria provided. Collection method: clinical testing. Allele origin: unknown. Affected: yes. Study: The Canadian Open Genetics Repository (COGR). Not counted in ClinVar's aggregate classification.
Comment: The PKD1 p.His1093Tyr variant was identified in 1 of 404 proband chromosomes (frequency: 0.002) from individuals or families with ADPKD (Rossetti_2007_17582161). The variant was also identified in dbSNP (ID: rs146352591) as â€šÃ„ÃºNAâ€šÃ„Ã¹, ClinVar (classified benign by Athena Diagnostics Inc), ADPKD Mutation Database (classified likely neutral). The variant was not identified in GeneInsight-COGR, LOVD 3.0, PKD1-LOVD databases. The variant was identified in control databases in 314 of 250392 chromosomes (1 homozygous) at a frequency of 0.001 increasing the likelihood this could be a low frequency benign variant (Genome Aggregation Database Feb 27, 2017). Breakdown of the observations by population include African in 278 (1 homozygous) of 19826 chromosomes (freq: 0.01), Other in 2 of 6066 chromosomes (freq: 0.0003), Latino in 27 of 33734 chromosomes (freq: 0.0008), European Non-Finnish in 4 of 118028 chromosomes (freq: 0.00003), and South Asian in 3 of 29860 chromosomes (freq: 0.0001) while not observed in the Ashkenazi Jewish, East Asian and European Finnish populations. In addition we cannot be certain that data from control databases is specific to PKD1 and not from one of the six PKD1 pseudogenes. The p.His1093 residue is conserved in mammals and computational analyses (PolyPhen-2, SIFT, AlignGVGD, BLOSUM, MutationTaster) provide inconsistent predictions regarding the impact of the variant Tyr to the protein; this information is not very predictive of pathogenicity. The variant occurs outside of the splicing consensus sequence and 2 of 5 in silico or computational prediction software programs (SpliceSiteFinder, MaxEntScan, NNSPLICE, GeneSplicer, HumanSpliceFinder) predict a greater than 10% difference in splicing; this is not very predictive of pathogenicity. In summary, based on the above information this variant meets our laboratory criteria to be classified as benign.

Literature cited by the submitters: PubMed 26139440 (cited by Women's Health and Genetics/Laboratory Corporation of America, LabCorp); PubMed 17582161 (cited by 3 submitters).